The following is an entry in ClinVar:

ClinVar aggregate classification (germline): Benign/Likely benign. Review status: criteria provided, multiple submitters, no conflicts (2 of 4 stars). 5 submissions from 5 submitters: Benign (1); Likely benign (4). Last evaluated 2025-10-14.

Conditions:
Hereditary cancer-predisposing syndrome. Also called: Neoplastic Syndromes, Hereditary; Tumor predisposition; Hereditary Cancer Syndrome; Hereditary neoplastic syndrome. Identifiers: Orphanet 140162, MedGen C0027672, MeSH D009386, MONDO:0015356.
Breast-ovarian cancer, familial, susceptibility to, 4. Identifiers: Orphanet 145, MedGen C3280345, MONDO:0013669, OMIM 614291.

Allele frequency attached by ClinVar (database versions not stated): gnomAD exomes below 0.00001 and 0.00002; TOPMed 0.00001; ExAC 0.00002.
gnomAD v4.1: 25 of 1,612,886 alleles (0.0016%); highest among the groups gnomAD compares: Non-Finnish European, 0.002%; no homozygotes.

Submissions (5):

Labcorp Genetics (formerly Invitae), Labcorp
Classification: Likely benign for Breast-ovarian cancer, familial, susceptibility to, 4. Last evaluated: 2025-10-14. Review status: criteria provided, single submitter. Criteria: Invitae Variant Classification Sherloc (09022015). Collection method: clinical testing. Allele origin: germline.

Myriad Genetics, Inc.
Classification: Benign for Breast-ovarian cancer, familial, susceptibility to, 4. Last evaluated: 2025-02-24. Review status: criteria provided, single submitter. Criteria: Myriad Autosomal Dominant, Autosomal Recessive and X-Linked Classification Criteria (2023). Collection method: clinical testing. Allele origin: unknown.
Comment: This variant is considered benign. This variant is a silent/synonymous amino acid change and it is not expected to impact splicing.

GeneDx
Classification: Likely benign. Last evaluated: 2019-09-13. Review status: criteria provided, single submitter. Criteria: GeneDx Variant Classification Process June 2021. Collection method: clinical testing. Allele origin: germline. Affected: yes.

Color Diagnostics, LLC DBA Color Health
Classification: Likely benign for Hereditary cancer-predisposing syndrome. Last evaluated: 2019-01-28. Review status: criteria provided, single submitter. Criteria: ACMG Guidelines, 2015. Collection method: clinical testing. Allele origin: germline.

Ambry Genetics
Classification: Likely benign for Hereditary cancer-predisposing syndrome. Last evaluated: 2014-12-04. Review status: criteria provided, single submitter. Criteria: Ambry Variant Classification Scheme 2023. Collection method: clinical testing. Allele origin: germline.

NM_002878.4(RAD51D):c.570C>T (p.Ala190=)

Genes: RAD51L3-RFFL (RAD51L3-RFFL readthrough; minus strand), RAD51D (RAD51 paralog D; minus strand). Cytogenetic location: 17q12.
Variant type: single nucleotide variant.
Coding change: c.570C>T on transcript NM_002878.4 (MANE Select); coding-DNA position 570, C replaced by T.
Protein change: p.Ala190=; no amino-acid change (alanine 190 retained).
Molecular consequence: synonymous variant. On other transcripts: non-coding transcript variant (3).
Genome position (GRCh38, 1-based): chr17:35,106,392, G>A on the plus strand (C>T on the coding strand, the complement: RAD51D is on the minus strand). VCF-style: chr17-35106392-G-A. GRCh37 (hg19) VCF-style: chr17-33433411-G-A.
Other names: c.630C>T, p.Ala210= (NM_001142571.2); c.234C>T, p.Ala78= (NM_133629.3).
Identifiers: ClinVar variation 187328 (VCV000187328.19), dbSNP rs750479232, ClinGen allele CA197365.